The following is an entry in ClinVar:

NM_000214.3(JAG1):c.166G>C (p.Gly56Arg)

Gene: JAG1 (jagged canonical Notch ligand 1; minus strand). Cytogenetic location: 20p12.2.
Variant type: single nucleotide variant.
Coding change: c.166G>C on transcript NM_000214.3 (MANE Select); coding-DNA position 166, G replaced by C.
Protein change: p.Gly56Arg; replaces glycine 56 with arginine.
Molecular consequence: missense variant.
Genome position (GRCh38, 1-based): chr20:10,672,922, C>G on the plus strand (G>C on the coding strand, the complement: JAG1 is on the minus strand). VCF-style: chr20-10672922-C-G. GRCh37 (hg19) VCF-style: chr20-10653570-C-G.
Other names: short protein forms G56R.
Identifiers: ClinVar variation 3573256 (VCV003573256.2).
Genomic context (GRCh38, chr20:10,672,922, plus strand): 5'-TGAAGTATGTGTCACACTCGTCGCGGGTGCACTTGCGGTCTCCCGGGTTCCGGGCGCCGC[C>G]GCAGCAGTTCCCGTTCTGCAGCTCCCCGTTCACGTTCTGCATGGACAGGATCTCCAACTC-3'
Protein context (NP_000205.1, residues 46-66): NGELQNGNCC[Gly56Arg]GARNPGDRKC

Conditions:
Arteriohepatic dysplasia. Also called: Alagille Syndrome. Identifiers: Orphanet 52, MedGen C0085280, MeSH D016738, MONDO:0007318.

Submission:

Gilbert/Spinner Lab, Children's Hospital of Philadelphia
No classification provided (evidence only). Condition: Alagille syndrome. Review status: no classification provided. Collection method: research. Allele origin: not applicable. Functional consequence: functionally_abnormal.
ClinVar note: "not provided" was previously submitted as the classification for the variant. However, the classification appeared to be based only on an observation of functional data so it was converted to no classification on 2025-07-30.